The following is an entry in ClinVar:

NM_007272.3(CTRC):c.356G>A (p.Arg119His)

Gene: CTRC (chymotrypsin C; plus strand). Cytogenetic location: 1p36.21.
Variant type: single nucleotide variant.
Coding change: c.356G>A on transcript NM_007272.3 (MANE Select); coding-DNA position 356, G replaced by A.
Protein change: p.Arg119His; replaces arginine 119 with histidine.
Molecular consequence: missense variant.
Genome position (GRCh38, 1-based): chr1:15,442,572, G>A. VCF-style: chr1-15442572-G-A. GRCh37 (hg19) VCF-style: chr1-15769068-G-A.
Other names: p.Arg119His; short protein forms R119H.
Identifiers: ClinVar variation 811638 (VCV000811638.22), dbSNP rs748221308, ClinGen allele CA613319.

ClinVar aggregate classification (germline): Uncertain significance. Review status: criteria provided, multiple submitters, no conflicts (2 of 4 stars). 4 submissions from 4 submitters: Uncertain significance (4). Last evaluated 2024-11-07.

Conditions:
Hereditary pancreatitis (PCTT). Also called: PRSS1-Related Hereditary Pancreatitis; Hereditary chronic pancreatitis. Identifiers: Orphanet 676, MedGen C0238339, MONDO:0008185, OMIM 167800.

Allele frequency attached by ClinVar (database versions not stated): ExAC 0.00003; gnomAD 0.00003 and 0.00004; gnomAD exomes 0.00003; TOPMed 0.00004.
gnomAD v4.1: 62 of 1,613,770 alleles (0.0038%); highest among the groups gnomAD compares: South Asian, 0.018%; 1 homozygote.

Submissions (4):

Ambry Genetics
Classification: Uncertain significance for Hereditary pancreatitis. Last evaluated: 2024-11-07. Review status: criteria provided, single submitter. Criteria: Ambry Variant Classification Scheme 2023. Collection method: clinical testing. Allele origin: germline.
Comment: The p.R119H variant (also known as c.356G>A), located in coding exon 4 of the CTRC gene, results from a G to A substitution at nucleotide position 356. The arginine at codon 119 is replaced by histidine, an amino acid with highly similar properties. However, this change occurs in the last base pair of coding exon 4 and may have some effect on normal mRNA splicing. This variant was identified in 2 of 1009 patients amongst a cohort of Chinese patients with a personal history of pancreatic ductal adenocarcinoma (Yin L et al. JAMA Netw Open, 2022 Feb;5:e2148721). This nucleotide position is well conserved in available vertebrate species. In silico splice site analysis predicts that this alteration will not have any significant effect on splicing. This amino acid position is not well conserved in available vertebrate species. In addition, as a missense substitution this is predicted to be tolerated by in silico analysis. Based on the available evidence, the clinical significance of this variant remains unclear.

Labcorp Genetics (formerly Invitae), Labcorp
Classification: Uncertain significance for Hereditary pancreatitis. Last evaluated: 2024-02-26. Review status: criteria provided, single submitter. Criteria: Invitae Variant Classification Sherloc (09022015). Collection method: clinical testing. Allele origin: germline.
Comment: This sequence change replaces arginine, which is basic and polar, with histidine, which is basic and polar, at codon 119 of the CTRC protein (p.Arg119His). This variant also falls at the last nucleotide of exon 4, which is part of the consensus splice site for this exon. This variant is present in population databases (rs748221308, gnomAD 0.01%). This missense change has been observed in individual(s) with pancreatic cancer (PMID: 35171259). ClinVar contains an entry for this variant (Variation ID: 811638). An algorithm developed to predict the effect of missense changes on protein structure and function (PolyPhen-2) suggests that this variant is likely to be tolerated. Variants that disrupt the consensus splice site are a relatively common cause of aberrant splicing (PMID: 17576681, 9536098). In summary, the available evidence is currently insufficient to determine the role of this variant in disease. Therefore, it has been classified as a Variant of Uncertain Significance.

Mayo Clinic Laboratories, Mayo Clinic
Classification: Uncertain significance. Last evaluated: 2022-09-13. Review status: criteria provided, single submitter. Criteria: ACMG Guidelines, 2015. Collection method: clinical testing. Allele origin: germline. Observed: 1 variant allele.

ARUP Laboratories, Molecular Genetics and Genomics, ARUP Laboratories
Classification: Uncertain significance for Hereditary pancreatitis. Last evaluated: 2018-09-25. Review status: criteria provided, single submitter. Criteria: ARUP Molecular Germline Variant Investigation Process. Collection method: clinical testing. Allele origin: germline.
Comment: The CTRC c.356G>A; p.Arg119His variant (rs748221308), to our knowledge, is not reported in the medical literature or gene specific databases. This variant is found in the general population with a low overall allele frequency of 0.003% (8/245982 alleles) in the Genome Aggregation Database. The arginine at codon 119 is moderately conserved, and computational analyses (SIFT, PolyPhen-2) predict that this variant may be deleterious to protein structure/function. Additionally, this variant is located in the last nucleotide of exon 4 and may alter splicing by weakening the canonical donor site and creating a cryptic splice acceptor site (Alamut v.2.11). However, due to the lack of clinical and functional data, the significance of p.Arg119His is uncertain at this time.

Literature cited by the submitters: PubMed 29669919 (cited by Ambry Genetics); PubMed 35171259 (cited by Ambry Genetics and Labcorp Genetics (formerly Invitae), Labcorp); PubMed 17576681 (cited by Labcorp Genetics (formerly Invitae), Labcorp); PubMed 9536098 (cited by Labcorp Genetics (formerly Invitae), Labcorp).